The following is an entry in ClinVar:

ClinVar aggregate classification (germline): Uncertain significance. Review status: criteria provided, multiple submitters, no conflicts (2 of 4 stars). 2 submissions from 2 submitters: Uncertain significance (2). Last evaluated 2025-04-25.

Conditions:
Inborn genetic diseases. Identifiers: MedGen C0950123, MeSH D030342.

Allele frequency attached by ClinVar (database versions not stated): gnomAD exomes 0.00001; gnomAD 0.00002; TOPMed 0.00002.
gnomAD v4.1: 16 of 1,548,326 alleles (0.001%); highest among the groups gnomAD compares: African/African-American, 0.0055%; no homozygotes.

Submissions (2):

Ambry Genetics
Classification: Uncertain significance for Inborn genetic diseases. Last evaluated: 2025-04-25. Review status: criteria provided, single submitter. Criteria: Ambry Variant Classification Scheme 2023. Collection method: clinical testing. Allele origin: germline.

CeGaT Center for Human Genetics Tuebingen
Classification: Uncertain significance. Last evaluated: 2022-11-01. Review status: criteria provided, single submitter. Criteria: CeGaT Center For Human Genetics Tuebingen Variant Classification Criteria Version 2. Collection method: clinical testing. Allele origin: germline. Affected: yes. Observed: 1 variant allele.
Comment: SETD1B: PP2

NM_001353345.2(SETD1B):c.1682C>T (p.Ser561Leu)

Gene: SETD1B (SET domain containing 1B, histone lysine methyltransferase; plus strand). Cytogenetic location: 12q24.31.
Variant type: single nucleotide variant.
Coding change: c.1682C>T on transcript NM_001353345.2 (MANE Select); coding-DNA position 1682, C replaced by T.
Protein change: p.Ser561Leu; replaces serine 561 with leucine.
Molecular consequence: missense variant.
Genome position (GRCh38, 1-based): chr12:121,810,627, C>T. VCF-style: chr12-121810627-C-T. GRCh37 (hg19) VCF-style: chr12-122248533-C-T.
Other names: NM_015048.1:c.1682C>T; short protein forms S561L.
Identifiers: ClinVar variation 2643438 (VCV002643438.24), dbSNP rs771086732, ClinGen allele CA244637266.